The following is an entry in ClinVar:

ClinVar aggregate classification (germline): Uncertain significance (1 of 4 stars; one submission).

Conditions:
Long QT syndrome 8. Identifiers: MedGen CN260585, MONDO:0032756, OMIM 618447.

Submission:

Helix
Classification: Uncertain significance for Long QT syndrome 8. Last evaluated: 2026-06-24. Review status: criteria provided, single submitter. Criteria: ACMG Guidelines, 2015. Collection method: clinical testing. Allele origin: germline. Inheritance: Autosomal dominant inheritance.
Comment: This variant (NM_000719.7:c.1021C>A p.His341Asn) results in the substitution of histidine with asparagine at codon 341 in the CACNA1C protein. It is a rare variant that is absent from the large gnomAD population database (v4.1). To our knowledge, this variant has not been reported in individuals with CACNA1C-related conditions in the published literature. In silico prediction from REVEL (PMID: 27666373) is indeterminate. In conclusion, since the available evidence is limited, the clinical significance of this variant is unclear at this time. Therefore, it is classified as a Variant of Uncertain Significance.

NM_000719.7(CACNA1C):c.1021C>A (p.His341Asn)

Gene: CACNA1C (calcium voltage-gated channel subunit alpha1 C; plus strand). Cytogenetic location: 12p13.33.
Variant type: single nucleotide variant.
Coding change: c.1021C>A on transcript NM_000719.7 (MANE Select); coding-DNA position 1021, C replaced by A.
Protein change: p.His341Asn; replaces histidine 341 with asparagine.
Molecular consequence: missense variant.
Genome position (GRCh38, 1-based): chr12:2,493,294, C>A. VCF-style: chr12-2493294-C-A. GRCh37 (hg19) VCF-style: chr12-2602460-C-A.
Other names: c.1021C>A, p.His341Asn (NM_001129827.2, NM_001129829.2, NM_001129830.3 and 18 more transcripts); c.1012C>A, p.His338Asn (NM_001129844.2); short protein forms H338N, H341N.
Identifiers: ClinVar variation 4890822 (VCV004890822.1).
Genomic context (GRCh38, chr12:2,493,294, plus strand): 5'-GGCCACGGGCGGCAGTGCCAGAACGGCACGGTGTGCAAGCCCGGCTGGGATGGTCCCAAG[C>A]ACGGCATCACCAACTTTGACAACTTTGCCTTCGCCATGCTCACGGTGTTCCAGTGCATCA-3'
Protein context (NP_000710.5, residues 331-351): VCKPGWDGPK[His341Asn]GITNFDNFAF